The following is an entry in ClinVar:

ClinVar aggregate classification (germline): Uncertain significance (1 of 4 stars; one submission).

Conditions:
Charcot-Marie-Tooth disease type 4. Also called: Charcot-Marie-Tooth disease, type IV; Charcot-Marie-Tooth, Type 4. Identifiers: Orphanet 64749, MedGen C4082197, MONDO:0018995.

Submission:

Labcorp Genetics (formerly Invitae), Labcorp
Classification: Uncertain significance for Charcot-Marie-Tooth disease type 4. Last evaluated: 2021-11-05. Review status: criteria provided, single submitter. Criteria: Invitae Variant Classification Sherloc (09022015). Collection method: clinical testing. Allele origin: germline.
Comment: This sequence change replaces tyrosine, which is neutral and polar, with asparagine, which is neutral and polar, at codon 73 of the NDRG1 protein (p.Tyr73Asn). This variant is not present in population databases (gnomAD no frequency). This variant has not been reported in the literature in individuals affected with NDRG1-related conditions. Algorithms developed to predict the effect of missense changes on protein structure and function are either unavailable or do not agree on the potential impact of this missense change (SIFT: "Deleterious"; PolyPhen-2: "Possibly Damaging"; Align-GVGD: "Class C0"). In summary, the available evidence is currently insufficient to determine the role of this variant in disease. Therefore, it has been classified as a Variant of Uncertain Significance.

NM_006096.4(NDRG1):c.217T>A (p.Tyr73Asn)

Gene: NDRG1 (N-myc downstream regulated 1; minus strand). Cytogenetic location: 8q24.22.
Variant type: single nucleotide variant.
Coding change: c.217T>A on transcript NM_006096.4 (MANE Select); coding-DNA position 217, T replaced by A.
Protein change: p.Tyr73Asn; replaces tyrosine 73 with asparagine.
Molecular consequence: missense variant. On other transcripts: 5 prime UTR variant (1).
Genome position (GRCh38, 1-based): chr8:133,262,156, A>T on the plus strand (T>A on the coding strand, the complement: NDRG1 is on the minus strand). VCF-style: chr8-133262156-A-T. GRCh37 (hg19) VCF-style: chr8-134274399-A-T.
Other names: c.217T>A, p.Tyr73Asn (NM_001135242.2, NM_001374844.1, NM_001374845.1 and 1 more transcripts); c.19T>A, p.Tyr7Asn (NM_001258432.2, NM_001374847.1); c.-27T>A (NM_001258433.2); short protein forms Y73N, Y7N.
Identifiers: ClinVar variation 1487006 (VCV001487006.3), dbSNP rs368584363, ClinGen allele CA372256384.